The following is an entry in ClinVar:

NM_015443.4(KANSL1):c.2220A>G (p.Gln740=)

Gene: KANSL1 (KAT8 regulatory NSL complex subunit 1). Cytogenetic location: 17q21.31.
Variant type: single nucleotide variant.
Coding change: c.2220A>G on transcript NM_015443.4 (MANE Select); coding-DNA position 2220, A replaced by G.
Protein change: p.Gln740=; no amino-acid change (glutamine 740 retained).
Molecular consequence: synonymous variant. On other transcripts: intron variant (8).
Genome position (GRCh38, 1-based): chr17:46,039,199, T>C on the plus strand (A>G on the coding strand, the complement: KANSL1 is on the minus strand). VCF-style: chr17-46039199-T-C. GRCh37 (hg19) VCF-style: chr17-44116565-T-C.
Other names: c.2220A>G, p.Gln740= (NM_001193465.2, NM_001193466.2, NM_001379198.1 and 8 more transcripts); c.2118A>G, p.Gln706= (NM_001405859.1, NM_001405860.1, NM_001405861.1 and 1 more transcripts); c.954A>G, p.Gln318= (NM_001405882.1, NM_001405883.1); c.937+503A>G (NM_001405885.1, NM_001405884.1); c.2203+503A>G (NM_001405879.1, NM_001405875.1, NM_001405878.1 and 3 more transcripts); c.2220A>G (NM_001193466.1).
Identifiers: ClinVar variation 1981873 (VCV001981873.5), dbSNP rs1339429545, ClinGen allele CA500369978.

ClinVar aggregate classification (germline): Conflicting classifications of pathogenicity. Review status: criteria provided, conflicting classifications (1 of 4 stars). 2 submissions from 2 submitters: Uncertain significance (1); Likely benign (1). Last evaluated 2024-01-04.

Conditions:
Koolen-de Vries syndrome (KDVS). Identifiers: Orphanet 96169, MedGen C1864871, MONDO:0012496, OMIM 610443.

gnomAD v4.1: 1 of 1,589,704 alleles (0.000063%); highest among the groups gnomAD compares: Non-Finnish European, 0.000085%; no homozygotes.

Submissions (2):

GeneDx
Classification: Uncertain significance. Last evaluated: 2024-01-04. Review status: criteria provided, single submitter. Criteria: GeneDx Variant Classification Process June 2021. Collection method: clinical testing. Allele origin: germline. Affected: yes.
Comment: Not observed at significant frequency in large population cohorts (gnomAD); In silico analysis supports that this variant does not alter splicing; Has not been previously published as pathogenic or benign to our knowledge

Labcorp Genetics (formerly Invitae), Labcorp
Classification: Likely benign for Koolen-de Vries syndrome. Last evaluated: 2022-03-13. Review status: criteria provided, single submitter. Criteria: Invitae Variant Classification Sherloc (09022015). Collection method: clinical testing. Allele origin: germline.